The following is an entry in ClinVar:

ClinVar aggregate classification (germline): Uncertain significance. Review status: criteria provided, multiple submitters, no conflicts (2 of 4 stars). 5 submissions from 5 submitters: Uncertain significance (5). Last evaluated 2026-02-15.

Conditions:
RYR1-related disorder. Also called: RYR1-related disorders; RYR1-related condition. Identifiers: MedGen CN239331.
Inborn genetic diseases. Identifiers: MedGen C0950123, MeSH D030342.
Malignant hyperthermia, susceptibility to, 1 (MHS1). Also called: Anesthesia related hyperthermia; Malignant hyperpyrexia; Fulminating hyperpyrexia; Pharmacogenic myopathy; RYR1-Related Malignant Hyperthermia Susceptibility; Malignant hyperthermia suceptibility 1. Identifiers: Orphanet 423, MedGen C2930980, MONDO:0007783, OMIM 145600.

Allele frequency attached by ClinVar (database versions not stated): TOPMed 0.00001; gnomAD 0.00001; gnomAD exomes below 0.00001.
gnomAD v4.1: 65 of 1,609,434 alleles (0.004%); highest among the groups gnomAD compares: Non-Finnish European, 0.0053%; no homozygotes.

Submissions (5):

GeneDx
Classification: Uncertain significance. Last evaluated: 2026-02-15. Review status: criteria provided, single submitter. Criteria: GeneDx Variant Classification Process June 2021. Collection method: clinical testing. Allele origin: germline.
Comment: Not observed at significant frequency in large population cohorts (gnomAD); In silico analysis supports that this missense variant has a deleterious effect on protein structure/function; Observed on whole exome or whole genome sequencing of three siblings with myelodysplastic syndrome and a germline SAMD9 variant (PMID: 28487541); This variant is associated with the following publications: (PMID: 12668474, 28487541)

Ambry Genetics
Classification: Uncertain significance for Inborn genetic diseases. Last evaluated: 2026-01-21. Review status: criteria provided, single submitter. Criteria: Ambry Variant Classification Scheme 2023. Collection method: clinical testing. Allele origin: germline.

Color Diagnostics, LLC DBA Color Health
Classification: Uncertain significance for Malignant hyperthermia, susceptibility to, 1. Last evaluated: 2025-07-01. Review status: criteria provided, single submitter. Criteria: ACMG Guidelines, 2015. Collection method: clinical testing. Allele origin: germline.
Comment: This missense variant replaces threonine with isoleucine at codon 2796 of the RYR1 protein. Computational prediction is inconclusive regarding the impact of this variant on protein structure and function. To our knowledge, functional studies have not been reported for this variant. This variant has not been reported in individuals affected with RYR1-related disorders in the literature. This variant has been identified in 1/245466 chromosomes in the general population by the Genome Aggregation Database (gnomAD). The available evidence is insufficient to determine the role of this variant in disease conclusively. Therefore, this variant is classified as a Variant of Uncertain Significance.

Revvity Omics, Revvity
Classification: Uncertain significance. Last evaluated: 2025-06-18. Review status: criteria provided, single submitter. Criteria: ACMG Guidelines, 2015. Collection method: clinical testing. Allele origin: germline.

Labcorp Genetics (formerly Invitae), Labcorp
Classification: Uncertain significance for RYR1-related disorder. Last evaluated: 2025-06-06. Review status: criteria provided, single submitter. Criteria: Invitae Variant Classification Sherloc (09022015). Collection method: clinical testing. Allele origin: germline.
Comment: This sequence change replaces threonine, which is neutral and polar, with isoleucine, which is neutral and non-polar, at codon 2796 of the RYR1 protein (p.Thr2796Ile). This variant is present in population databases (no rsID available, gnomAD 0.0009%). This variant has not been reported in the literature in individuals affected with RYR1-related conditions. ClinVar contains an entry for this variant (Variation ID: 1438459). Invitae Evidence Modeling of protein sequence and biophysical properties (such as structural, functional, and spatial information, amino acid conservation, physicochemical variation, residue mobility, and thermodynamic stability) indicates that this missense variant is not expected to disrupt RYR1 protein function with a negative predictive value of 80%. In summary, the available evidence is currently insufficient to determine the role of this variant in disease. Therefore, it has been classified as a Variant of Uncertain Significance.

NM_000540.3(RYR1):c.8387C>T (p.Thr2796Ile)

Genes: RYR1 (ryanodine receptor 1; plus strand), LOC126862902 (BRD4-independent group 4 enhancer GRCh37_chr19:38995830-38997029; plus strand). Cytogenetic location: 19q13.2.
Variant type: single nucleotide variant.
Coding change: c.8387C>T on transcript NM_000540.3 (MANE Select); coding-DNA position 8387, C replaced by T.
Protein change: p.Thr2796Ile; replaces threonine 2796 with isoleucine.
Molecular consequence: missense variant.
Genome position (GRCh38, 1-based): chr19:38,505,385, C>T. VCF-style: chr19-38505385-C-T. GRCh37 (hg19) VCF-style: chr19-38996025-C-T.
Other names: c.8387C>T, p.Thr2796Ile (NM_001042723.2); c.8387C>T (NM_000540.2); short protein forms T2796I.
Identifiers: ClinVar variation 1438459 (VCV001438459.12), dbSNP rs1445048000, ClinGen allele CA405677750.